The following is an entry in ClinVar:

ClinVar aggregate classification (germline): Likely benign. Review status: criteria provided, single submitter (1 of 4 stars). 2 submissions from 2 submitters: Likely benign (1). 1 of the submissions does not count toward it. Last evaluated 2025-09-25.

Conditions:
Inborn genetic diseases. Identifiers: MedGen C0950123, MeSH D030342.
IFT140-related disorder. Also called: IFT140-related condition.

gnomAD v4.1: 11 of 1,613,648 alleles (0.00068%); highest among the groups gnomAD compares: Non-Finnish European, 0.00085%; no homozygotes.

Submissions (2):

Ambry Genetics
Classification: Likely benign for Inborn genetic diseases. Last evaluated: 2025-09-25. Review status: criteria provided, single submitter. Criteria: Ambry Variant Classification Scheme 2023. Collection method: clinical testing. Allele origin: germline.

PreventionGenetics, part of Exact Sciences
Classification: Uncertain significance for IFT140-related condition. Last evaluated: 2024-09-05. Review status: no assertion criteria provided. Collection method: clinical testing. Allele origin: germline. Not counted in ClinVar's aggregate classification.
Comment: The IFT140 c.1696G>A variant is predicted to result in the amino acid substitution p.Val566Ile. To our knowledge, this variant has not been reported in the literature. Of note, the p.Val566 residue is weakly conserved and at this position is an isoleucine (Ile) in rat, tetraodon and zebrafish. This variant is reported in 0.00088% of alleles in individuals of European (Non-Finnish) descent in gnomAD. At this time, the clinical significance of this variant is uncertain due to the absence of conclusive functional and genetic evidence.

NM_014714.4(IFT140):c.1696G>A (p.Val566Ile)

Gene: IFT140 (intraflagellar transport 140; minus strand). Cytogenetic location: 16p13.3.
Variant type: single nucleotide variant.
Coding change: c.1696G>A on transcript NM_014714.4 (MANE Select); coding-DNA position 1696, G replaced by A.
Protein change: p.Val566Ile; replaces valine 566 with isoleucine.
Molecular consequence: missense variant.
Genome position (GRCh38, 1-based): chr16:1,568,291, C>T on the plus strand (G>A on the coding strand, the complement: IFT140 is on the minus strand). VCF-style: chr16-1568291-C-T. GRCh37 (hg19) VCF-style: chr16-1618292-C-T.
Other names: short protein forms V566I.
Identifiers: ClinVar variation 3357882 (VCV003357882.2).